The following is an entry in ClinVar:

NM_018557.3(LRP1B):c.8238G>A (p.Gly2746=)

Gene: LRP1B (LDL receptor related protein 1B; minus strand). Cytogenetic location: 2q22.1.
Variant type: single nucleotide variant.
Coding change: c.8238G>A on transcript NM_018557.3 (MANE Select); coding-DNA position 8238, G replaced by A.
Protein change: p.Gly2746=; no amino-acid change (glycine 2746 retained).
Molecular consequence: synonymous variant.
Genome position (GRCh38, 1-based): chr2:140,514,684, C>T on the plus strand (G>A on the coding strand, the complement: LRP1B is on the minus strand). VCF-style: chr2-140514684-C-T. GRCh37 (hg19) VCF-style: chr2-141272253-C-T.
Identifiers: ClinVar variation 3056378 (VCV003056378.2), dbSNP rs61732738, ClinGen allele CA1894047.
Genomic context (GRCh38, chr2:140,514,684, plus strand): 5'-TGATTGAGGACAGAAGATACACAACTTACCACAAATGCTGTCACTTTCATCTAACCCATC[C>T]CCACAGTCATCTTCTCCATCACAAATCCAATGCTTAGAAATACATTTTTGTGCGGAACAA-3'
Protein context (NP_061027.2, residues 2736-2756): HWICDGEDDC[Gly2746=]DGLDESDSIC

ClinVar aggregate classification (germline): Benign (0 of 4 stars; one submission).

Conditions:
LRP1B-related disorder. Also called: LRP1B-related condition.

Allele frequency attached by ClinVar (database versions not stated): ExAC 0.01002; gnomAD 0.03230; 1000 Genomes Project 0.03235; 1000 Genomes Project 30x 0.03373; ESP Exome Variant Server 0.03614; TOPMed 0.03726.
gnomAD v4.1: 10,301 of 1,612,036 alleles (0.64%); highest among the groups gnomAD compares: African/African-American, 11%; 490 homozygotes.

Submission:

PreventionGenetics, part of Exact Sciences
Classification: Benign for LRP1B-related condition. Last evaluated: 2019-02-18. Review status: no assertion criteria provided. Collection method: clinical testing. Allele origin: germline.
Comment: This variant is classified as benign based on ACMG/AMP sequence variant interpretation guidelines (Richards et al. 2015 PMID: 25741868, with internal and published modifications).